The following is an entry in ClinVar:

ClinVar aggregate classification (germline): Uncertain significance (1 of 4 stars; one submission).

Conditions:
BAP1-related tumor predisposition syndrome (TPDS1). Also called: COMMON Syndrome; TUMOR PREDISPOSITION SYNDROME 1; Tumor susceptibility linked to germline BAP1 mutations; BAP1 tumor predisposition syndrome. Identifiers: Orphanet 289539, MedGen C3280492, MONDO:0013692, OMIM 614327.

Submission:

Labcorp Genetics (formerly Invitae), Labcorp
Classification: Uncertain significance for BAP1-related tumor predisposition syndrome. Last evaluated: 2023-10-27. Review status: criteria provided, single submitter. Criteria: Invitae Variant Classification Sherloc (09022015). Collection method: clinical testing. Allele origin: germline.
Comment: This sequence change replaces threonine, which is neutral and polar, with alanine, which is neutral and non-polar, at codon 524 of the BAP1 protein (p.Thr524Ala). This variant is not present in population databases (gnomAD no frequency). This variant has not been reported in the literature in individuals affected with BAP1-related conditions. Advanced modeling of protein sequence and biophysical properties (such as structural, functional, and spatial information, amino acid conservation, physicochemical variation, residue mobility, and thermodynamic stability) performed at Invitae indicates that this missense variant is not expected to disrupt BAP1 protein function with a negative predictive value of 80%. In summary, the available evidence is currently insufficient to determine the role of this variant in disease. Therefore, it has been classified as a Variant of Uncertain Significance.

NM_004656.4(BAP1):c.1570A>G (p.Thr524Ala)

Gene: BAP1 (BRCA1 associated deubiquitinase 1; minus strand). Cytogenetic location: 3p21.1.
Variant type: single nucleotide variant.
Coding change: c.1570A>G on transcript NM_004656.4 (MANE Select); coding-DNA position 1570, A replaced by G.
Protein change: p.Thr524Ala; replaces threonine 524 with alanine.
Molecular consequence: missense variant.
Genome position (GRCh38, 1-based): chr3:52,403,575, T>C on the plus strand (A>G on the coding strand, the complement: BAP1 is on the minus strand). VCF-style: chr3-52403575-T-C. GRCh37 (hg19) VCF-style: chr3-52437591-T-C.
Other names: c.1516A>G, p.Thr506Ala (NM_001410772.1); short protein forms T524A, T506A.
Identifiers: ClinVar variation 2772000 (VCV002772000.3), dbSNP rs1483303680, ClinGen allele CA353100635.